The following is an entry in ClinVar:

NM_001098426.2(SMARCD2):c.1344C>G (p.Asn448Lys)

Gene: SMARCD2 (SWI/SNF related BAF chromatin remodeling complex subunit D2; minus strand). Cytogenetic location: 17q23.3.
Variant type: single nucleotide variant.
Coding change: c.1344C>G on transcript NM_001098426.2 (MANE Select); coding-DNA position 1344, C replaced by G.
Protein change: p.Asn448Lys; replaces asparagine 448 with lysine.
Molecular consequence: missense variant.
Genome position (GRCh38, 1-based): chr17:63,833,394, G>C on the plus strand (C>G on the coding strand, the complement: SMARCD2 is on the minus strand). VCF-style: chr17-63833394-G-C. GRCh37 (hg19) VCF-style: chr17-61910754-G-C.
Other names: c.1119C>G, p.Asn373Lys (NM_001330439.1); c.1200C>G, p.Asn400Lys (NM_001330440.2); short protein forms N373K, N400K, N448K.
Identifiers: ClinVar variation 3618976 (VCV003618976.2).

ClinVar aggregate classification (germline): Uncertain significance (1 of 4 stars; one submission).

gnomAD v4.1: 3 of 1,614,052 alleles (0.00019%); highest among the groups gnomAD compares: East Asian, 0.0067%; no homozygotes.

Submission:

Labcorp Genetics (formerly Invitae), Labcorp
Classification: Uncertain significance. Last evaluated: 2025-01-10. Review status: criteria provided, single submitter. Criteria: Invitae Variant Classification Sherloc (09022015). Collection method: clinical testing. Allele origin: germline.
Comment: This sequence change replaces asparagine, which is neutral and polar, with lysine, which is basic and polar, at codon 448 of the SMARCD2 protein (p.Asn448Lys). This variant is present in population databases (rs755115875, gnomAD 0.02%). This variant has not been reported in the literature in individuals affected with SMARCD2-related conditions. Invitae Evidence Modeling of protein sequence and biophysical properties (such as structural, functional, and spatial information, amino acid conservation, physicochemical variation, residue mobility, and thermodynamic stability) indicates that this missense variant is not expected to disrupt SMARCD2 protein function with a negative predictive value of 80%. In summary, the available evidence is currently insufficient to determine the role of this variant in disease. Therefore, it has been classified as a Variant of Uncertain Significance.